The following is an entry in ClinVar:

ClinVar aggregate classification (germline): Uncertain significance. Review status: criteria provided, multiple submitters, no conflicts (2 of 4 stars). 2 submissions from 2 submitters: Uncertain significance (2). Last evaluated 2020-06-26.

Conditions:
Agammaglobulinemia 2, autosomal recessive (AGM2). Also called: AGAMMAGLOBULINEMIA, AUTOSOMAL RECESSIVE, DUE TO IGLL1 DEFECT. Identifiers: MedGen C3150750, MONDO:0013287, OMIM 613500.

Submissions (2):

New York Genome Center
Classification: Uncertain significance for Agammaglobulinemia 2, autosomal recessive. Last evaluated: 2020-06-26. Review status: criteria provided, single submitter. Criteria: NYGC Assertion Criteria 2020. Collection method: clinical testing. Allele origin: germline. Observed: 1 heterozygote. Study: CSER-NYCKidSeq.

Labcorp Genetics (formerly Invitae), Labcorp
Classification: Uncertain significance for Agammaglobulinemia 2, autosomal recessive. Last evaluated: 2019-12-04. Review status: criteria provided, single submitter. Criteria: Invitae Variant Classification Sherloc (09022015). Collection method: clinical testing. Allele origin: germline.
Comment: Algorithms developed to predict the effect of missense changes on protein structure and function (SIFT, PolyPhen-2, Align-GVGD) all suggest that this variant is likely to be tolerated, but these predictions have not been confirmed by published functional studies and their clinical significance is uncertain. This variant has not been reported in the literature in individuals with IGLL1-related conditions. This variant is not present in population databases (ExAC no frequency). This sequence change replaces arginine with glycine at codon 60 of the IGLL1 protein (p.Arg60Gly). The arginine residue is weakly conserved and there is a moderate physicochemical difference between arginine and glycine. In summary, the available evidence is currently insufficient to determine the role of this variant in disease. Therefore, it has been classified as a Variant of Uncertain Significance.

NM_020070.4(IGLL1):c.178C>G (p.Arg60Gly)

Gene: IGLL1 (immunoglobulin lambda like polypeptide 1; minus strand). Cytogenetic location: 22q11.23.
Variant type: single nucleotide variant.
Coding change: c.178C>G on transcript NM_020070.4 (MANE Select); coding-DNA position 178, C replaced by G.
Protein change: p.Arg60Gly; replaces arginine 60 with glycine.
Molecular consequence: missense variant.
Genome position (GRCh38, 1-based): chr22:23,580,013, G>C on the plus strand (C>G on the coding strand, the complement: IGLL1 is on the minus strand). VCF-style: chr22-23580013-G-C. GRCh37 (hg19) VCF-style: chr22-23922200-G-C.
Other names: c.178C>G, p.Arg60Gly (NM_001369906.1, NM_152855.3); short protein forms R60G.
Identifiers: ClinVar variation 847416 (VCV000847416.10), dbSNP rs146108390, ClinGen allele CA410899337.
Genomic context (GRCh38, chr22:23,580,013, plus strand): 5'-CCCCACATCCCCTGGAATCTCTCACCCCTTACCTGCCCCACCGGCTCCTCAGGCTGGACC[G>C]GCTGCTTCCTCCAGGGGCTCCAGGGCCCAGGGCCCTGCTCTGCGATGCAGCTGTTGGGCG-3'
Protein context (NP_064455.1, residues 50-70): LGPGAPGGSS[Arg60Gly]SSLRSRWGRF